The following is an entry in ClinVar:

NM_006946.4(SPTBN2):c.3492G>T (p.Arg1164=)

Gene: SPTBN2 (spectrin beta, non-erythrocytic 2; minus strand). Cytogenetic location: 11q13.2.
Variant type: single nucleotide variant.
Coding change: c.3492G>T on transcript NM_006946.4 (MANE Select); coding-DNA position 3492, G replaced by T.
Protein change: p.Arg1164=; no amino-acid change (arginine 1164 retained).
Molecular consequence: synonymous variant.
Genome position (GRCh38, 1-based): chr11:66,700,607, C>A on the plus strand (G>T on the coding strand, the complement: SPTBN2 is on the minus strand). VCF-style: chr11-66700607-C-A. GRCh37 (hg19) VCF-style: chr11-66468078-C-A.
Other names: c.3513G>T, p.Arg1171= (NM_001411025.1).
Identifiers: ClinVar variation 2642003 (VCV002642003.24), dbSNP rs2496150515, ClinGen allele CA475498681.
Genomic context (GRCh38, chr11:66,700,607, plus strand): 5'-AGCCTGACGAGCATCCCGCAGGAATCCCTGGAAGCCGTGGGCCTGGGCCAGGCGACCTTG[C>A]CGGCTCTCCCACATTCGGCCCAGCTCCTCCCAGCCAGTTCCCAGGGCCTCCAGTCGCTGT-3'
Protein context (NP_008877.2, residues 1154-1174): WEELGRMWES[Arg1164=]QGRLAQAHGF

ClinVar aggregate classification (germline): Likely benign (1 of 4 stars; one submission).

Submission:

CeGaT Center for Human Genetics Tuebingen
Classification: Likely benign. Last evaluated: 2022-10-01. Review status: criteria provided, single submitter. Criteria: CeGaT Center For Human Genetics Tuebingen Variant Classification Criteria Version 2. Collection method: clinical testing. Allele origin: germline. Affected: yes. Observed: 1 variant allele.
Comment: SPTBN2: PM2:Supporting, BP4, BP7